The following is an entry in ClinVar:

ClinVar aggregate classification (germline): Uncertain significance (1 of 4 stars; one submission).

Conditions:
Inborn genetic diseases. Identifiers: MedGen C0950123, MeSH D030342.

gnomAD v4.1: 2 of 1,613,946 alleles (0.00012%); highest among the groups gnomAD compares: Non-Finnish European, 0.00017%; no homozygotes.

Submission:

Ambry Genetics
Classification: Uncertain significance for Inborn genetic diseases. Last evaluated: 2026-08-11. Review status: criteria provided, single submitter. Criteria: Ambry Variant Classification Scheme 2023. Collection method: clinical testing. Allele origin: germline.
Comment: The p.D539E variant (also known as c.1617C>G), located in coding exon 17 of the FANCA gene, results from a C to G substitution at nucleotide position 1617. The aspartic acid at codon 539 is replaced by glutamic acid, an amino acid with highly similar properties. This amino acid position is conserved. In addition, this alteration is predicted to be tolerated by in silico analysis. Based on the available evidence, the clinical significance of this variant remains unclear.

NM_000135.4(FANCA):c.1617C>G (p.Asp539Glu)

Gene: FANCA (FA complementation group A; minus strand). Cytogenetic location: 16q24.3.
Variant type: single nucleotide variant.
Coding change: c.1617C>G on transcript NM_000135.4 (MANE Select); coding-DNA position 1617, C replaced by G.
Protein change: p.Asp539Glu; replaces aspartic acid 539 with glutamic acid.
Molecular consequence: missense variant.
Genome position (GRCh38, 1-based): chr16:89,782,868, G>C on the plus strand (C>G on the coding strand, the complement: FANCA is on the minus strand). VCF-style: chr16-89782868-G-C. GRCh37 (hg19) VCF-style: chr16-89849276-G-C.
Other names: c.1617C>G, p.Asp539Glu (NM_001286167.3); short protein forms D539E.
Identifiers: ClinVar variation 5036410 (VCV005036410.1).